The following is an entry in ClinVar:

ClinVar aggregate classification (germline): Uncertain significance (1 of 4 stars; one submission).

Submission:

GeneDx
Classification: Uncertain significance. Last evaluated: 2023-06-06. Review status: criteria provided, single submitter. Criteria: GeneDx Variant Classification Process June 2021. Collection method: clinical testing. Allele origin: germline. Affected: yes.
Comment: Not observed at significant frequency in large population cohorts (gnomAD); In silico analysis supports that this missense variant has a deleterious effect on protein structure/function; Has not been previously published as pathogenic or benign to our knowledge.

NM_001110556.2(FLNA):c.5204C>T (p.Pro1735Leu)

Gene: FLNA (filamin A; minus strand). Cytogenetic location: Xq28.
Variant type: single nucleotide variant.
Coding change: c.5204C>T on transcript NM_001110556.2 (MANE Select); coding-DNA position 5204, C replaced by T.
Protein change: p.Pro1735Leu; replaces proline 1735 with leucine.
Molecular consequence: missense variant.
Genome position (GRCh38, 1-based): chrX:154,354,838, G>A on the plus strand (C>T on the coding strand, the complement: FLNA is on the minus strand). VCF-style: chrX-154354838-G-A. GRCh37 (hg19) VCF-style: chrX-153583206-G-A.
Other names: c.5180C>T, p.Pro1727Leu (NM_001456.4); short protein forms P1727L, P1735L.
Identifiers: ClinVar variation 3252252 (VCV003252252.1), dbSNP rs2522728129.
Genomic context (GRCh38, chrX:154,354,838, plus strand): 5'-GGGACCTGCCAGACACCCCTGCTGACCTACCCCCCACCCCTCCTCACCGTCACTTGGAAG[G>A]GGCTGTTGGGCACGTGCTCGCCACCAAAGCGCACACAGATGACGTATTTGCCCGGCTGGG-3'
Protein context (NP_001104026.1, residues 1725-1745): RFGGEHVPNS[Pro1735Leu]FQVTALAGDQ